The following is an entry in ClinVar:

NM_005228.5(EGFR):c.1309del (p.Ser437fs)

Gene: EGFR (epidermal growth factor receptor; plus strand). Cytogenetic location: 7p11.2.
Variant type: Deletion.
Coding change: c.1309del on transcript NM_005228.5 (MANE Select); coding-DNA position 1309, one base deleted (T; older notation c.1309delT).
Protein change: p.Ser437fs; shifts the reading frame from serine 437.
Molecular consequence: frameshift variant.
Genome position (GRCh38, 1-based): chr7:55,160,149, T deleted; the last of 4 consecutive T bases (chr7:55,160,146-55,160,149); deleting any one gives the same sequence. VCF-style (leftmost placement, unchanged base first): chr7-55160145-GT-G. GRCh37 (hg19) VCF-style: chr7-55227838-GT-G.
Other names: c.1174del, p.Ser392fs (NM_001346897.2, NM_001346899.2); c.1309del, p.Ser437fs (NM_001346898.2, NM_201282.2, NM_201284.2); c.1150del, p.Ser384fs (NM_001346900.2); c.508del, p.Ser170fs (NM_001346941.2); short protein forms S170fs, S384fs, S392fs, S437fs.
Identifiers: ClinVar variation 3722497 (VCV003722497.2).

ClinVar aggregate classification (germline): Pathogenic (1 of 4 stars; one submission).

Conditions:
EGFR-related lung cancer (EGFR). Identifiers: MedGen CN130014.

Submission:

Labcorp Genetics (formerly Invitae), Labcorp
Classification: Pathogenic for EGFR-related lung cancer. Last evaluated: 2024-10-09. Review status: criteria provided, single submitter. Criteria: Invitae Variant Classification Sherloc (09022015). Collection method: clinical testing. Allele origin: germline.
Comment: This sequence change creates a premature translational stop signal (p.Ser437Leufs*7) in the EGFR gene. It is expected to result in an absent or disrupted protein product. Loss-of-function variants in EGFR are known to be pathogenic (PMID: 7630400, 28726809, 29899996). This variant is not present in population databases (gnomAD no frequency). This variant has not been reported in the literature in individuals affected with EGFR-related conditions. For these reasons, this variant has been classified as Pathogenic.

Literature cited by the submitters: PubMed 7630400; PubMed 28726809; PubMed 29899996.